The following is an entry in ClinVar:

NM_005257.6(GATA6):c.1108_1121dup (p.Gly375fs)

Gene: GATA6 (GATA binding protein 6; plus strand). Cytogenetic location: 18q11.2.
Variant type: Duplication.
Coding change: c.1108_1121dup on transcript NM_005257.6 (MANE Select); coding-DNA positions 1108 to 1121, 14 bases duplicated (CTCCCGGTGCCCCG).
Protein change: p.Gly375fs; shifts the reading frame from glycine 375.
Molecular consequence: frameshift variant.
Genome position (GRCh38, 1-based): chr18:22,172,252-22,172,265, CTCCCGGTGCCCCG duplicated; duplicating any 14 consecutive bases within chr18:22,172,246-22,172,265 gives the same sequence; the c. name uses the placement nearest the transcript's 3' end. VCF-style (leftmost placement, unchanged base first): chr18-22172245-A-AGCCCCGCTCCCGGT. GRCh37 (hg19) VCF-style: chr18-19752206-A-AGCCCCGCTCCCGGT.
Other names: short protein forms G375fs.
Identifiers: ClinVar variation 1805832 (VCV001805832.1), dbSNP rs2510627049, ClinGen allele CA923726305.

ClinVar aggregate classification (germline): Pathogenic (1 of 4 stars; one submission).

Conditions:
Heart defects, congenital, and other congenital anomalies. Also called: Pancreatic hypoplasia-diabetes-congenital heart disease syndrome; PANCREATIC HYPOPLASIA, CONGENITAL, WITH DIABETES MELLITUS AND CONGENITAL HEART DISEASE. Identifiers: Orphanet 2255, MedGen C2931296, MONDO:0010802, OMIM 600001.

Submission:

Victorian Clinical Genetics Services, Murdoch Childrens Research Institute
Classification: Pathogenic for Heart defects, congenital, and other congenital anomalies. Last evaluated: 2020-07-02. Review status: criteria provided, single submitter. Criteria: ACMG Guidelines, 2015. Collection method: clinical testing. Allele origin: germline. Inheritance: Autosomal dominant inheritance.
Comment: Based on the classification scheme VCGS_Germline_v1.3.3, this variant is classified as Pathogenic. Following criteria are met: 0103 - Loss of function and gain of function are known mechanisms of disease in this gene and are associated with pancreatic agenesis and congeital heart defects. Missense variants been have demonstrated to have both loss- and gain of function effects on protein function (PMID:19666519; PMID:20581743). (I) 0107 - This gene is associated with autosomal dominant disease. (I) 0201 - Variant is predicted to cause nonsense-mediated decay (NMD) and loss of protein (premature termination codon is located at least 54 nucleotides upstream of the final exon-exon junction). (SP) 0251 - This variant is heterozygous. (I) 0301 - Variant is absent from gnomAD (both v2 and v3). (SP) 0701 - Other NMD-predicted variants comparable to the one identified in this case have very strong previous evidence for pathogenicity. These variants have been reported in multiple patients with pancreatic agenesis and/or cardiac abnormalities (ClinVar, Decipher, PMID: 22158542, PMID: 31006513). (SP) 0802 - This variant has moderate previous evidence of pathogenicity in an unrelated individual. This variant has been reported in a single de novo patient with pancreatic agenesis with tetralogy of fallot (PMID: 22158542). (SP) 0905 - No published segregation evidence has been identified for this variant. (I) 1007 - No published functional evidence has been identified for this variant. (I) Legend: (SP) - Supporting pathogenic, (I) - Information, (SB) - Supporting benign

Literature cited by the submitters: PubMed 19666519; PubMed 20581743; PubMed 22158542; PubMed 31006513.